The following is an entry in ClinVar:

NM_004260.4(RECQL4):c.1667G>A (p.Gly556Asp)

Gene: RECQL4 (RecQ like helicase 4; minus strand). Cytogenetic location: 8q24.3.
Variant type: single nucleotide variant.
Coding change: c.1667G>A on transcript NM_004260.4 (MANE Select); coding-DNA position 1667, G replaced by A.
Protein change: p.Gly556Asp; replaces glycine 556 with aspartic acid.
Molecular consequence: missense variant.
Genome position (GRCh38, 1-based): chr8:144,514,479, C>T on the plus strand (G>A on the coding strand, the complement: RECQL4 is on the minus strand). VCF-style: chr8-144514479-C-T. GRCh37 (hg19) VCF-style: chr8-145739863-C-T.
Other names: short protein forms G556D.
Identifiers: ClinVar variation 950277 (VCV000950277.6), dbSNP rs575020739, ClinGen allele CA187685565.

ClinVar aggregate classification (germline): Uncertain significance (1 of 4 stars; one submission).

Conditions:
Baller-Gerold syndrome (BGS). Also called: CRANIOSYNOSTOSIS WITH RADIAL DEFECTS. Identifiers: Orphanet 1225, MedGen C0265308, MONDO:0009039, OMIM 218600.

Allele frequency attached by ClinVar (database versions not stated): TOPMed 0.00001; gnomAD 0.00003; gnomAD exomes 0.00001; 1000 Genomes Project 0.00020; 1000 Genomes Project 30x 0.00031.
gnomAD v4.1: 8 of 1,612,334 alleles (0.0005%); highest among the groups gnomAD compares: Admixed American, 0.013%; no homozygotes.

Submission:

Labcorp Genetics (formerly Invitae), Labcorp
Classification: Uncertain significance for Baller-Gerold syndrome. Last evaluated: 2025-11-10. Review status: criteria provided, single submitter. Criteria: Invitae Variant Classification Sherloc (09022015). Collection method: clinical testing. Allele origin: germline.
Comment: This sequence change replaces glycine, which is neutral and non-polar, with aspartic acid, which is acidic and polar, at codon 556 of the RECQL4 protein (p.Gly556Asp). This variant is present in population databases (rs575020739, gnomAD 0.006%). This variant has not been reported in the literature in individuals affected with RECQL4-related conditions. ClinVar contains an entry for this variant (Variation ID: 950277). Invitae Evidence Modeling of protein sequence and biophysical properties (such as structural, functional, and spatial information, amino acid conservation, physicochemical variation, residue mobility, and thermodynamic stability) indicates that this missense variant is expected to disrupt RECQL4 protein function with a positive predictive value of 80%. In summary, the available evidence is currently insufficient to determine the role of this variant in disease. Therefore, it has been classified as a Variant of Uncertain Significance.